The following is an entry in ClinVar:

NM_020822.3(KCNT1):c.3503-17G>A

Gene: KCNT1 (potassium sodium-activated channel subfamily T member 1; plus strand). Cytogenetic location: 9q34.3.
Variant type: single nucleotide variant.
Coding change: c.3503-17G>A on transcript NM_020822.3 (MANE Select); 17 bases into the intron before coding-DNA position 3503, G replaced by A.
Molecular consequence: intron variant.
Genome position (GRCh38, 1-based): chr9:135,791,780, G>A. VCF-style: chr9-135791780-G-A. GRCh37 (hg19) VCF-style: chr9-138683626-G-A.
Other names: c.3431-17G>A (NM_001272003.2).
Identifiers: ClinVar variation 1376383 (VCV001376383.6), dbSNP rs761613092, ClinGen allele CA5327928.

ClinVar aggregate classification (germline): Uncertain significance (1 of 4 stars; one submission).

Conditions:
Autosomal dominant nocturnal frontal lobe epilepsy 5. Also called: CILIARY DYSKINESIA, PRIMARY, 28, WITH SITUS INVERSUS; KCNT1-Related Epilepsy; CILIARY DYSKINESIA, PRIMARY, 28, WITHOUT SITUS INVERSUS; Epilepsy, nocturnal frontal lobe, 5. Identifiers: Orphanet 98784, MedGen C3554306, MONDO:0014002, OMIM 615005.
Developmental and epileptic encephalopathy, 14 (DEE14). Also called: Early infantile epileptic encephalopathy 14. Identifiers: Orphanet 293181, MedGen C3554195, MONDO:0013989, OMIM 614959.

Allele frequency attached by ClinVar (database versions not stated): gnomAD 0.00001; ExAC 0.00002; gnomAD exomes 0.00002 and 0.00003; TOPMed 0.00005.
gnomAD v4.1: 50 of 1,611,776 alleles (0.0031%); highest among the groups gnomAD compares: Non-Finnish European, 0.0036%; no homozygotes.

Submission:

Labcorp Genetics (formerly Invitae), Labcorp
Classification: Uncertain significance for Autosomal dominant nocturnal frontal lobe epilepsy 5; Developmental and epileptic encephalopathy, 14. Last evaluated: 2025-09-08. Review status: criteria provided, single submitter. Criteria: Invitae Variant Classification Sherloc (09022015). Collection method: clinical testing. Allele origin: germline.
Comment: This sequence change falls in intron 29 of the KCNT1 gene. It does not directly change the encoded amino acid sequence of the KCNT1 protein. This variant is present in population databases (rs761613092, gnomAD 0.004%). This variant has not been reported in the literature in individuals affected with KCNT1-related conditions. ClinVar contains an entry for this variant (Variation ID: 1376383). Algorithms developed to predict the effect of sequence changes on RNA splicing suggest that this variant may create or strengthen a splice site. In summary, the available evidence is currently insufficient to determine the role of this variant in disease. Therefore, it has been classified as a Variant of Uncertain Significance.